The following is an entry in ClinVar:

ClinVar aggregate classification (germline): Uncertain significance. Review status: criteria provided, multiple submitters, no conflicts (2 of 4 stars). 2 submissions from 2 submitters: Uncertain significance (2). Last evaluated 2023-01-13.

Conditions:
Age related macular degeneration 1 (ARMD1). Also called: MACULOPATHY, AGE-RELATED, 1. Identifiers: MedGen C1864205, MONDO:0011285, OMIM 603075.

Allele frequency attached by ClinVar (database versions not stated): ExAC 0.00002; TOPMed 0.00003; gnomAD 0.00004; ESP Exome Variant Server 0.00015.
gnomAD v4.1: 47 of 1,613,980 alleles (0.0029%); highest among the groups gnomAD compares: Non-Finnish European, 0.0037%; no homozygotes.

Submissions (2):

Labcorp Genetics (formerly Invitae), Labcorp
Classification: Uncertain significance. Last evaluated: 2023-01-13. Review status: criteria provided, single submitter. Criteria: Invitae Variant Classification Sherloc (09022015). Collection method: clinical testing. Allele origin: germline.
Comment: In summary, the available evidence is currently insufficient to determine the role of this variant in disease. Therefore, it has been classified as a Variant of Uncertain Significance. Algorithms developed to predict the effect of missense changes on protein structure and function output the following: SIFT: "Tolerated"; PolyPhen-2: "Benign"; Align-GVGD: "Class C0". The valine amino acid residue is found in multiple mammalian species, which suggests that this missense change does not adversely affect protein function. ClinVar contains an entry for this variant (Variation ID: 294248). This variant has not been reported in the literature in individuals affected with HMCN1-related conditions. This variant is present in population databases (rs146177894, gnomAD 0.004%). This sequence change replaces isoleucine, which is neutral and non-polar, with valine, which is neutral and non-polar, at codon 4119 of the HMCN1 protein (p.Ile4119Val).

Illumina Laboratory Services, Illumina
Classification: Uncertain significance for Age related macular degeneration 1. Last evaluated: 2018-01-12. Review status: criteria provided, single submitter. Criteria: ICSL Variant Classification Criteria 13 December 2019. Collection method: clinical testing. Allele origin: germline.

NM_031935.3(HMCN1):c.12355A>G (p.Ile4119Val)

Gene: HMCN1 (hemicentin 1; plus strand). Cytogenetic location: 1q31.1.
Variant type: single nucleotide variant.
Coding change: c.12355A>G on transcript NM_031935.3 (MANE Select); coding-DNA position 12355, A replaced by G.
Protein change: p.Ile4119Val; replaces isoleucine 4119 with valine.
Molecular consequence: missense variant.
Genome position (GRCh38, 1-based): chr1:186,123,076, A>G. VCF-style: chr1-186123076-A-G. GRCh37 (hg19) VCF-style: chr1-186092208-A-G.
Other names: short protein forms I4119V.
Identifiers: ClinVar variation 294248 (VCV000294248.8), dbSNP rs146177894, ClinGen allele CA1294337.